The following is an entry in ClinVar:

NM_001136472.2(LITAF):c.26C>A (p.Ala9Glu)

Gene: LITAF (lipopolysaccharide induced TNF factor; minus strand). Cytogenetic location: 16p13.13.
Variant type: single nucleotide variant.
Coding change: c.26C>A on transcript NM_001136472.2 (MANE Select); coding-DNA position 26, C replaced by A.
Protein change: p.Ala9Glu; replaces alanine 9 with glutamic acid.
Molecular consequence: missense variant. On other transcripts: non-coding transcript variant (1).
Genome position (GRCh38, 1-based): chr16:11,556,705, G>T on the plus strand (C>A on the coding strand, the complement: LITAF is on the minus strand). VCF-style: chr16-11556705-G-T. GRCh37 (hg19) VCF-style: chr16-11650561-G-T.
Other names: c.26C>A, p.Ala9Glu (NM_001136473.1, NM_004862.4); short protein forms A9E.
Identifiers: ClinVar variation 4848690 (VCV004848690.1).

ClinVar aggregate classification (germline): Uncertain significance (1 of 4 stars; one submission).

gnomAD v4.1: 1 of 1,614,156 alleles (0.000062%); highest among the groups gnomAD compares: Non-Finnish European, 0.000085%; no homozygotes.

Submission:

Women's Health and Genetics/Laboratory Corporation of America, LabCorp
Classification: Uncertain significance. Last evaluated: 2026-04-10. Review status: criteria provided, single submitter. Criteria: LabCorp Variant Classification Summary - May 2015. Collection method: clinical testing. Allele origin: germline.
Comment: Variant summary: LITAF c.26C>A (p.Ala9Glu) results in a non-conservative amino acid change in the encoded protein sequence. Algorithms developed to predict the effect of missense changes on protein structure and function are either unavailable or do not agree on the potential impact of this missense change. The variant allele was found at a frequency of 4e-06 in 251296 control chromosomes. The available data on variant occurrences in the general population are insufficient to allow any conclusion about variant significance. To our knowledge, no occurrence of c.26C>A in individuals affected with LITAF-related conditions and no experimental evidence demonstrating its impact on protein function have been reported. No submitters have cited clinical-significance assessments for this variant to ClinVar. Based on the evidence outlined above, the variant was classified as uncertain significance.